The following is an entry in ClinVar:

ClinVar aggregate classification (germline): Uncertain significance (1 of 4 stars; one submission).

Conditions:
Tuberous sclerosis 2 (TSC2). Identifiers: Orphanet 805, MedGen C1860707, MONDO:0013199, OMIM 613254.

Submission:

Labcorp Genetics (formerly Invitae), Labcorp
Classification: Uncertain significance for Tuberous sclerosis 2. Last evaluated: 2022-11-09. Review status: criteria provided, single submitter. Criteria: Invitae Variant Classification Sherloc (09022015). Collection method: clinical testing. Allele origin: germline.
Comment: This variant is not present in population databases (gnomAD no frequency). In summary, the available evidence is currently insufficient to determine the role of this variant in disease. Therefore, it has been classified as a Variant of Uncertain Significance. Advanced modeling of protein sequence and biophysical properties (such as structural, functional, and spatial information, amino acid conservation, physicochemical variation, residue mobility, and thermodynamic stability) performed at Invitae indicates that this missense variant is not expected to disrupt TSC2 protein function. This variant has not been reported in the literature in individuals affected with TSC2-related conditions. This sequence change replaces isoleucine, which is neutral and non-polar, with serine, which is neutral and polar, at codon 1495 of the TSC2 protein (p.Ile1495Ser).

NM_000548.5(TSC2):c.4484T>G (p.Ile1495Ser)

Gene: TSC2 (TSC complex subunit 2; plus strand). Cytogenetic location: 16p13.3.
Variant type: single nucleotide variant.
Coding change: c.4484T>G on transcript NM_000548.5 (MANE Select); coding-DNA position 4484, T replaced by G.
Protein change: p.Ile1495Ser; replaces isoleucine 1495 with serine.
Molecular consequence: missense variant. On other transcripts: non-coding transcript variant (5).
Genome position (GRCh38, 1-based): chr16:2,084,706, T>G. VCF-style: chr16-2084706-T-G. GRCh37 (hg19) VCF-style: chr16-2134707-T-G.
Other names: c.4283T>G, p.Ile1428Ser (NM_001077183.3); c.4415T>G, p.Ile1472Ser (NM_001114382.3); c.4175T>G, p.Ile1392Ser (NM_001318827.2); c.4139T>G, p.Ile1380Ser (NM_001318829.2); c.3752T>G, p.Ile1251Ser (NM_001318831.2); c.4316T>G, p.Ile1439Ser (NM_001318832.2); c.4286T>G, p.Ile1429Ser (NM_001363528.2); c.4352T>G, p.Ile1451Ser (NM_001370404.1); and 26 more; short protein forms I1229S, I1271S, I1391S, I1422S, I1423S, I1459S, I1003S, I1024S.
Identifiers: ClinVar variation 2813152 (VCV002813152.3), dbSNP rs2544291339, ClinGen allele CA394302587.